The following is an entry in ClinVar:

ClinVar aggregate classification (germline): Uncertain significance (1 of 4 stars; one submission).

Conditions:
Failure of ossification of pubic bones, ischii, triradiate cartilages. Identifiers: MedGen C1868558.

Submission:

Department of Maternal and Fetal Medicine, Sanjay Gandhi Post Graduate Institute of Medical Sciences
Classification: Uncertain significance for Failure of ossification of pubic bones, ischii, triradiate cartilages. Last evaluated: 2026-03-08. Review status: criteria provided, single submitter. Criteria: ACMG Guidelines, 2015. Collection method: provider interpretation. Allele origin: germline. Inheritance: Autosomal recessive inheritance. Affected: yes. Observed: 1 variant allele, 1 homozygote.
Comment: The variant affects the -3 position of the intron 12 acceptor splice site and is predicted to alter splicing by multiple in-silico tools (SpliceAI score 0.89, dbscSNV Ada score 0.90, dbscSNV RF score 0.72). The variant is absent from population databases including gnomAD. However, functional evidence is lacking and no previous human phenotype has been reported for GPR107 variants. Based on ACMG/AMP guidelines, the variant is classified as a Variant of Uncertain Significance.

NM_020960.5(GPR107):c.1132-3T>G

Gene: GPR107 (G protein-coupled receptor 107; plus strand). Cytogenetic location: 9q34.11.
Variant type: single nucleotide variant.
Coding change: c.1132-3T>G on transcript NM_020960.5 (MANE Select); 3 bases into the intron before coding-DNA position 1132, T replaced by G.
Molecular consequence: intron variant.
Genome position (GRCh38, 1-based): chr9:130,104,417, T>G. VCF-style: chr9-130104417-T-G. GRCh37 (hg19) VCF-style: chr9-132866696-T-G.
Other names: c.1132-3T>G (NM_001136557.2, NM_001136558.2); c.565-3T>G (NM_001287346.2).
Identifiers: ClinVar variation 4813648 (VCV004813648.1).
Genomic context (GRCh38, chr9:130,104,417, plus strand): 5'-GGCTGCTAGCATCATAACAGTCCACCCATGCTTTGGGGCCTCAGCAACTTCTCATGTCTG[T>G]AGGTCCTGGCAAATGTAGCCTACATCATCATAGAGTCCACCGAGGAGGGCACGACTGAAT-3'